The following is an entry in ClinVar:

ClinVar aggregate classification (germline): Uncertain significance (1 of 4 stars; one submission).

Conditions:
Hereditary cancer-predisposing syndrome. Also called: Neoplastic Syndromes, Hereditary; Tumor predisposition; Hereditary Cancer Syndrome; Hereditary neoplastic syndrome. Identifiers: Orphanet 140162, MedGen C0027672, MeSH D009386, MONDO:0015356.

Submission:

Ambry Genetics
Classification: Uncertain significance for Hereditary cancer-predisposing syndrome. Last evaluated: 2026-05-15. Review status: criteria provided, single submitter. Criteria: Ambry Variant Classification Scheme 2023. Collection method: clinical testing. Allele origin: germline.
Comment: The p.S178R variant (also known as c.532A>C), located in coding exon 5 of the RB1 gene, results from an A to C substitution at nucleotide position 532. The serine at codon 178 is replaced by arginine, an amino acid with dissimilar properties. This amino acid position is conserved. In addition, this alteration is predicted to be tolerated by in silico analysis. Based on the available evidence, the clinical significance of this variant remains unclear.

NM_000321.3(RB1):c.532A>C (p.Ser178Arg)

Gene: RB1 (RB transcriptional corepressor 1; plus strand). Cytogenetic location: 13q14.2.
Variant type: single nucleotide variant.
Coding change: c.532A>C on transcript NM_000321.3 (MANE Select); coding-DNA position 532, A replaced by C.
Protein change: p.Ser178Arg; replaces serine 178 with arginine.
Molecular consequence: missense variant.
Genome position (GRCh38, 1-based): chr13:48,347,856, A>C. VCF-style: chr13-48347856-A-C. GRCh37 (hg19) VCF-style: chr13-48921992-A-C.
Other names: c.532A>C, p.Ser178Arg (NM_001407165.1, NM_001407166.1); short protein forms S178R.
Identifiers: ClinVar variation 4863033 (VCV004863033.1).
Genomic context (GRCh38, chr13:48,347,856, plus strand): 5'-TTAAAAAGTCATAATGTTTTTCTTTTCAGGACATGTGAACTTATATATTTGACACAACCC[A>C]GCAGTTCGTAAGTAGTTCACAGAATGTTATTTTTCACTTAAAAAAAAAGATTTTTATGGA-3'
Protein context (NP_000312.2, residues 168-188): TCELIYLTQP[Ser178Arg]SSISTEINSA